The following is an entry in ClinVar:

ClinVar aggregate classification (germline): Likely benign. Review status: criteria provided, single submitter (1 of 4 stars). 2 submissions from 2 submitters: Likely benign (1). 1 of the submissions does not count toward it. Last evaluated 2024-02-29.

Conditions:
FASN-related disorder. Also called: FASN-related condition.
Epileptic encephalopathy. Identifiers: MedGen C0543888, HP:0200134.

Allele frequency attached by ClinVar (database versions not stated): gnomAD 0.00001; gnomAD exomes 0.00001; TOPMed 0.00001; 1000 Genomes Project 30x 0.00031.
gnomAD v4.1: 8 of 1,591,474 alleles (0.0005%); highest among the groups gnomAD compares: Middle Eastern, 0.017%; no homozygotes.

Submissions (2):

Labcorp Genetics (formerly Invitae), Labcorp
Classification: Likely benign for Epileptic encephalopathy. Last evaluated: 2024-02-29. Review status: criteria provided, single submitter. Criteria: Invitae Variant Classification Sherloc (09022015). Collection method: clinical testing. Allele origin: germline.

PreventionGenetics, part of Exact Sciences
Classification: Likely benign for FASN-related condition. Last evaluated: 2023-07-30. Review status: no assertion criteria provided. Collection method: clinical testing. Allele origin: germline. Not counted in ClinVar's aggregate classification.
Comment: This variant is classified as likely benign based on ACMG/AMP sequence variant interpretation guidelines (Richards et al. 2015 PMID: 25741868, with internal and published modifications).

NM_004104.5(FASN):c.6531C>T (p.Arg2177=)

Gene: FASN (fatty acid synthase; minus strand). Cytogenetic location: 17q25.3.
Variant type: single nucleotide variant.
Coding change: c.6531C>T on transcript NM_004104.5 (MANE Select); coding-DNA position 6531, C replaced by T.
Protein change: p.Arg2177=; no amino-acid change (arginine 2177 retained).
Molecular consequence: synonymous variant.
Genome position (GRCh38, 1-based): chr17:82,081,228, G>A on the plus strand (C>T on the coding strand, the complement: FASN is on the minus strand). VCF-style: chr17-82081228-G-A. GRCh37 (hg19) VCF-style: chr17-80039104-G-A.
Other names: c.6531C>T (NM_004104.4).
Identifiers: ClinVar variation 1397381 (VCV001397381.10), dbSNP rs1160132362, ClinGen allele CA502430388.